The following is an entry in ClinVar:

NM_022132.5(MCCC2):c.411T>A (p.Asp137Glu)

Gene: MCCC2 (methylcrotonyl-CoA carboxylase subunit 2; plus strand). Cytogenetic location: 5q13.2.
Variant type: single nucleotide variant.
Coding change: c.411T>A on transcript NM_022132.5 (MANE Select); coding-DNA position 411, T replaced by A.
Protein change: p.Asp137Glu; replaces aspartic acid 137 with glutamic acid.
Molecular consequence: missense variant.
Genome position (GRCh38, 1-based): chr5:71,602,533, T>A. VCF-style: chr5-71602533-T-A. GRCh37 (hg19) VCF-style: chr5-70898360-T-A.
Other names: c.411T>A, p.Asp137Glu (NM_001363147.1); short protein forms D137E.
Identifiers: ClinVar variation 3768167 (VCV003768167.1).

ClinVar aggregate classification (germline): Uncertain significance (1 of 4 stars; one submission).

gnomAD v4.1: 15 of 1,614,048 alleles (0.00093%); highest among the groups gnomAD compares: African/African-American, 0.0013%; no homozygotes.

Submission:

Women's Health and Genetics/Laboratory Corporation of America, LabCorp
Classification: Uncertain significance. Last evaluated: 2024-12-10. Review status: criteria provided, single submitter. Criteria: LabCorp Variant Classification Summary - May 2015. Collection method: clinical testing. Allele origin: germline.
Comment: Variant summary: MCCC2 c.411T>A (p.Asp137Glu) results in a conservative amino acid change in the encoded protein sequence. Four of five in-silico tools predict a damaging effect of the variant on protein function. The variant allele was found at a frequency of 4e-06 in 251486 control chromosomes. The available data on variant occurrences in the general population are insufficient to allow any conclusion about variant significance. To our knowledge, no occurrence of c.411T>A in individuals affected with Methylcrotonyl-CoA Carboxylase Deficiency and no experimental evidence demonstrating its impact on protein function have been reported. No submitters have cited clinical-significance assessments for this variant to ClinVar. Based on the evidence outlined above, the variant was classified as uncertain significance.